The following is an entry in ClinVar:

ClinVar aggregate classification (germline): Uncertain significance. Review status: criteria provided, multiple submitters, no conflicts (2 of 4 stars). 4 submissions from 4 submitters: Uncertain significance (4). Last evaluated 2026-04-10.

Conditions:
TTN-related disorder. Also called: TTN-related disorders; TTN-related condition; TTN-related disease.
Cardiovascular phenotype. Identifiers: MedGen CN230736.

Allele frequency attached by ClinVar (database versions not stated): gnomAD exomes below 0.00001; ExAC 0.00001; gnomAD 0.00001; TOPMed 0.00003.
gnomAD v4.1: 5 of 1,613,738 alleles (0.00031%); highest among the groups gnomAD compares: African/African-American, 0.0067%; no homozygotes.

Submissions (4):

PreventionGenetics, part of Exact Sciences
Classification: Uncertain significance for TTN-related condition. Last evaluated: 2026-04-10. Review status: criteria provided, single submitter. Criteria: ACMG Guidelines, 2015. Collection method: clinical testing. Allele origin: germline.
Comment: The TTN c.96605T>C variant is predicted to result in the amino acid substitution p.Val32202Ala. This variant has been documented in an individual from an atrial fibrillation cohort (Supplementary file 1 in Pavel et al. 2025. PubMed ID: 41569083). This variant is reported in 0.0065% of alleles in individuals of African descent in gnomAD. At this time, the clinical significance of this variant is uncertain due to the absence of conclusive functional and genetic evidence.

Mayo Clinic Laboratories, Mayo Clinic
Classification: Uncertain significance. Last evaluated: 2025-06-11. Review status: criteria provided, single submitter. Criteria: ACMG Guidelines, 2015. Collection method: clinical testing. Allele origin: germline. Observed: 1 variant allele.
Comment: BP4, PM2_supporting

GeneDx
Classification: Uncertain significance. Last evaluated: 2025-01-06. Review status: criteria provided, single submitter. Criteria: GeneDx Variant Classification Process June 2021. Collection method: clinical testing. Allele origin: germline. Affected: yes.
Comment: Identified in one individual from of cohort of patients with atrial fibrillation; patient-specific clinical detail was not provided (PMID: 39677424); Not observed at significant frequency in large population cohorts (gnomAD); Missense variant in a gene in which most reported pathogenic variants are truncating/loss of function; This variant is associated with the following publications: (PMID: 39677424)

Ambry Genetics
Classification: Uncertain significance for Cardiovascular phenotype. Last evaluated: 2019-09-03. Review status: criteria provided, single submitter. Criteria: Ambry Variant Classification Scheme 2023. Collection method: clinical testing. Allele origin: germline.
Comment: The p.V23137A variant (also known as c.69410T>C), located in coding exon 174 of the TTN gene, results from a T to C substitution at nucleotide position 69410. The valine at codon 23137 is replaced by alanine, an amino acid with similar properties. This amino acid position is highly conserved in available vertebrate species. In addition, this alteration is predicted to be tolerated by in silico analysis. Since supporting evidence is limited at this time, the clinical significance of this alteration remains unclear.

NM_001267550.2(TTN):c.96605T>C (p.Val32202Ala)

Genes: TTN (titin; minus strand), TTN-AS1 (TTN antisense RNA 1; plus strand), LOC126806421 (CDK7 strongly-dependent group 2 enhancer GRCh37_chr2:179407630-179408829; plus strand). Cytogenetic location: 2q31.2.
Variant type: single nucleotide variant.
Coding change: c.96605T>C on transcript NM_001267550.2 (MANE Select); coding-DNA position 96605, T replaced by C.
Protein change: p.Val32202Ala; replaces valine 32202 with alanine.
Molecular consequence: missense variant.
Genome position (GRCh38, 1-based): chr2:178,543,368, A>G on the plus strand (T>C on the coding strand, the complement: TTN is on the minus strand). VCF-style: chr2-178543368-A-G. GRCh37 (hg19) VCF-style: chr2-179408095-A-G.
Other names: p.Val30561Ala; c.91682T>C, p.Val30561Ala (NM_001256850.1); c.69410T>C, p.Val23137Ala (NM_003319.4); c.88901T>C, p.Val29634Ala (NM_133378.4); c.69785T>C, p.Val23262Ala (NM_133432.3); c.69986T>C, p.Val23329Ala (NM_133437.4); short protein forms V23137A, V23262A, V29634A, V30561A, V23329A, V32202A.
Identifiers: ClinVar variation 1756264 (VCV001756264.5), dbSNP rs763365622, ClinGen allele CA1986734.